The following is an entry in ClinVar:

ClinVar aggregate classification (germline): Uncertain significance. Review status: criteria provided, multiple submitters, no conflicts (2 of 4 stars). 2 submissions from 2 submitters: Uncertain significance (2). Last evaluated 2025-11-14.

Conditions:
Emery-Dreifuss muscular dystrophy 5, autosomal dominant (EDMD5). Also called: EMERY-DREIFUSS MUSCULAR DYSTROPHY 5. Identifiers: Orphanet 261, MedGen C2751805, MONDO:0013072, OMIM 612999.

Allele frequency attached by ClinVar (database versions not stated): gnomAD exomes 0.00002 and 0.00007; ExAC 0.00004; gnomAD 0.00027 and 0.00029; TOPMed 0.00030; 1000 Genomes Project 30x 0.00031; 1000 Genomes Project 0.00040.
gnomAD v4.1: 82 of 1,584,938 alleles (0.0052%); highest among the groups gnomAD compares: Admixed American, 0.14%; no homozygotes.

Submissions (2):

Labcorp Genetics (formerly Invitae), Labcorp
Classification: Uncertain significance for Emery-Dreifuss muscular dystrophy 5, autosomal dominant. Last evaluated: 2025-11-14. Review status: criteria provided, single submitter. Criteria: Invitae Variant Classification Sherloc (09022015). Collection method: clinical testing. Allele origin: germline.
Comment: This sequence change replaces valine, which is neutral and non-polar, with phenylalanine, which is neutral and non-polar, at codon 1580 of the SYNE2 protein (p.Val1580Phe). This variant is present in population databases (rs190340029, gnomAD 0.05%), and has an allele count higher than expected for a pathogenic variant. This variant has not been reported in the literature in individuals affected with SYNE2-related conditions. ClinVar contains an entry for this variant (Variation ID: 470974). An algorithm developed to predict the effect of missense changes on protein structure and function (PolyPhen-2) suggests that this variant is likely to be disruptive. In summary, the available evidence is currently insufficient to determine the role of this variant in disease. Therefore, it has been classified as a Variant of Uncertain Significance.

Ambry Genetics
Classification: Uncertain significance. Last evaluated: 2025-10-07. Review status: criteria provided, single submitter. Criteria: Ambry Variant Classification Scheme 2023. Collection method: clinical testing. Allele origin: germline.

NM_182914.3(SYNE2):c.4738G>T (p.Val1580Phe)

Gene: SYNE2 (spectrin repeat containing nuclear envelope protein 2; plus strand). Cytogenetic location: 14q23.2.
Variant type: single nucleotide variant.
Coding change: c.4738G>T on transcript NM_182914.3 (MANE Select); coding-DNA position 4738, G replaced by T.
Protein change: p.Val1580Phe; replaces valine 1580 with phenylalanine.
Molecular consequence: missense variant.
Genome position (GRCh38, 1-based): chr14:64,016,482, G>T. VCF-style: chr14-64016482-G-T. GRCh37 (hg19) VCF-style: chr14-64483200-G-T.
Other names: c.4738G>T, p.Val1580Phe (NM_015180.6); short protein forms V1580F.
Identifiers: ClinVar variation 470974 (VCV000470974.12), dbSNP rs190340029, ClinGen allele CA7220303.